The following is an entry in ClinVar:

ClinVar aggregate classification (germline): Uncertain significance (1 of 4 stars; one submission).

Submission:

GeneDx
Classification: Uncertain significance. Last evaluated: 2025-07-13. Review status: criteria provided, single submitter. Criteria: GeneDx Variant Classification Process June 2021. Collection method: clinical testing. Allele origin: germline. Affected: yes.
Comment: Not observed at significant frequency in large population cohorts (gnomAD); In silico analysis supports that this missense variant has a deleterious effect on protein structure/function; Has not been previously published as pathogenic or benign to our knowledge

NM_001114753.3(ENG):c.1472A>C (p.Asp491Ala)

Genes: ENG (endoglin; minus strand), LOC102723566 (uncharacterized LOC102723566; plus strand). Cytogenetic location: 9q34.11.
Variant type: single nucleotide variant.
Coding change: c.1472A>C on transcript NM_001114753.3 (MANE Select); coding-DNA position 1472, A replaced by C.
Protein change: p.Asp491Ala; replaces aspartic acid 491 with alanine.
Molecular consequence: missense variant. On other transcripts: non-coding transcript variant (1).
Genome position (GRCh38, 1-based): chr9:127,818,334, T>G on the plus strand (A>C on the coding strand, the complement: ENG is on the minus strand). VCF-style: chr9-127818334-T-G. GRCh37 (hg19) VCF-style: chr9-130580613-T-G.
Other names: c.1472A>C, p.Asp491Ala (NM_000118.4); c.926A>C, p.Asp309Ala (NM_001278138.2); short protein forms D309A, D491A.
Identifiers: ClinVar variation 4686397 (VCV004686397.1).